The following is an entry in ClinVar:

NM_177438.3(DICER1):c.66_72del (p.Pro23fs)

Gene: DICER1 (dicer 1, ribonuclease III; minus strand). Cytogenetic location: 14q32.13.
Variant type: Deletion.
Coding change: c.66_72del on transcript NM_177438.3 (MANE Select); coding-DNA positions 66 to 72, 7 bases deleted (ACCAATG; older notation c.66_72delACCAATG).
Protein change: p.Pro23fs; shifts the reading frame from proline 23.
Molecular consequence: frameshift variant. On other transcripts: non-coding transcript variant (6), intron variant (1), 5 prime UTR variant (8).
Genome position (GRCh38, 1-based): chr14:95,133,387-95,133,393, CATTGGT deleted on the plus strand (ACCAATG on the coding strand, the reverse complement: DICER1 is on the minus strand). VCF-style (leftmost placement, unchanged base first): chr14-95133386-CCATTGGT-C. GRCh37 (hg19) VCF-style: chr14-95599723-CCATTGGT-C.
Other names: c.66_72del, p.Pro23fs (NM_001395699.1, NM_001395700.1, NM_030621.4 and 14 more transcripts); c.-130-716_-130-710del (NM_001395687.1); c.66_72delACCAATG, p.Pro23Valfs (NM_001395681.1); c.-209_-203del (NM_001395686.1, NM_001395688.1, NM_001395689.1 and 3 more transcripts); c.-393_-387del (NM_001395691.1); c.-1503_-1497del (NM_001395697.1); short protein forms P23fs.
Identifiers: ClinVar variation 2566174 (VCV002566174.6), dbSNP rs2543388582, ClinGen allele CA2580613749.

ClinVar aggregate classification (germline): Pathogenic/Likely pathogenic. Review status: criteria provided, multiple submitters, no conflicts (2 of 4 stars). 3 submissions from 3 submitters: Pathogenic (2); Likely pathogenic (1). Last evaluated 2023-05-02.

Conditions:
DICER1-related tumor predisposition. Also called: DICER1 syndrome; DICER1-related pleuropulmonary blastoma cancer predisposition syndrome. Identifiers: Orphanet 284343, MedGen C3839822, MONDO:0100216.
Hereditary cancer-predisposing syndrome. Also called: Neoplastic Syndromes, Hereditary; Hereditary Cancer Syndrome; Tumor predisposition; Hereditary neoplastic syndrome. Identifiers: Orphanet 140162, MedGen C0027672, MeSH D009386, MONDO:0015356.
Global developmental delay - lung cysts - overgrowth - Wilms tumor syndrome. Also called: GLOBAL DEVELOPMENTAL DELAY, LUNG CYSTS, OVERGROWTH, AND WILMS TUMOR; GLOW Syndrome. Identifiers: Orphanet 404476, MedGen C4748924, MONDO:0018445, OMIM 618272.

Submissions (3):

Labcorp Genetics (formerly Invitae), Labcorp
Classification: Pathogenic for DICER1-related tumor predisposition. Last evaluated: 2023-05-02. Review status: criteria provided, single submitter. Criteria: Invitae Variant Classification Sherloc (09022015). Collection method: clinical testing. Allele origin: germline.
Comment: This sequence change creates a premature translational stop signal (p.Pro23Valfs*40) in the DICER1 gene. It is expected to result in an absent or disrupted protein product. Loss-of-function variants in DICER1 are known to be pathogenic (PMID: 19556464, 21266384). This variant is not present in population databases (gnomAD no frequency). This variant has not been reported in the literature in individuals affected with DICER1-related conditions. For these reasons, this variant has been classified as Pathogenic.

Ambry Genetics
Classification: Pathogenic for Hereditary cancer-predisposing syndrome. Last evaluated: 2023-05-01. Review status: criteria provided, single submitter. Criteria: Ambry Variant Classification Scheme 2023. Collection method: clinical testing. Allele origin: germline.
Comment: The c.66_72delACCAATG pathogenic mutation, located in coding exon 1 of the DICER1 gene, results from a deletion of 7 nucleotides at nucleotide positions 66 to 72, causing a translational frameshift with a predicted alternate stop codon (p.P23Vfs*40). This variant is considered to be rare based on population cohorts in the Genome Aggregation Database (gnomAD). This alteration is expected to result in loss of function by premature protein truncation or nonsense-mediated mRNA decay. As such, this alteration is interpreted as a disease-causing mutation.

Baylor Genetics
Classification: Likely pathogenic for Global developmental delay - lung cysts - overgrowth - Wilms tumor syndrome. Last evaluated: 2022-12-23. Review status: criteria provided, single submitter. Criteria: ACMG Guidelines, 2015. Collection method: clinical testing. Allele origin: unknown.

Literature cited by the submitters: PubMed 19556464 (cited by Labcorp Genetics (formerly Invitae), Labcorp); PubMed 21266384 (cited by Labcorp Genetics (formerly Invitae), Labcorp).